The following is an entry in ClinVar:

ClinVar aggregate classification (germline): Uncertain significance (1 of 4 stars; one submission).

Conditions:
Inborn genetic diseases. Identifiers: MedGen C0950123, MeSH D030342.

Submission:

Ambry Genetics
Classification: Uncertain significance for Inborn genetic diseases. Last evaluated: 2026-07-01. Review status: criteria provided, single submitter. Criteria: Ambry Variant Classification Scheme 2023. Collection method: clinical testing. Allele origin: germline.
Comment: The p.P926L variant (also known as c.2777C>T), located in coding exon 12 of the ATP7B gene, results from a C to T substitution at nucleotide position 2777. The proline at codon 926 is replaced by leucine, an amino acid with similar properties. This amino acid position is conserved. In addition, this alteration is predicted to be deleterious by in silico analysis. Based on the available evidence, the clinical significance of this variant remains unclear.

NM_000053.4(ATP7B):c.2777C>T (p.Pro926Leu)

Gene: ATP7B (ATPase copper transporting beta; minus strand). Cytogenetic location: 13q14.3.
Variant type: single nucleotide variant.
Coding change: c.2777C>T on transcript NM_000053.4 (MANE Select); coding-DNA position 2777, C replaced by T.
Protein change: p.Pro926Leu; replaces proline 926 with leucine.
Molecular consequence: missense variant. On other transcripts: intron variant (3).
Genome position (GRCh38, 1-based): chr13:51,949,750, G>A on the plus strand (C>T on the coding strand, the complement: ATP7B is on the minus strand). VCF-style: chr13-51949750-G-A. GRCh37 (hg19) VCF-style: chr13-52523886-G-A.
Other names: c.2777C>T, p.Pro926Leu (NM_001406516.1, NM_001406523.1, NM_001406525.1 and 5 more transcripts); c.2681C>T, p.Pro894Leu (NM_001406517.1, NM_001406518.1); c.2633C>T, p.Pro878Leu (NM_001406520.1, NM_001406521.1, NM_001406522.1 and 1 more transcripts); c.2600C>T, p.Pro867Leu (NM_001406524.1); c.2348C>T, p.Pro783Leu (NM_001406539.1); c.2525C>T, p.Pro842Leu (NM_001406540.1, NM_001406531.1, NM_001406532.1 and 1 more transcripts); c.2291C>T, p.Pro764Leu (NM_001406541.1, NM_001406542.1, NM_001406546.1); c.2429C>T, p.Pro810Leu (NM_001406543.1); and 10 more; short protein forms P496L, P710L, P783L, P846L, P915L, P810L, P816L, P848L.
Identifiers: ClinVar variation 5032375 (VCV005032375.1).